The following is an entry in ClinVar:

NM_001211.6(BUB1B):c.1874T>A (p.Ile625Lys)

Gene: BUB1B (BUB1 mitotic checkpoint serine/threonine kinase B; plus strand). Cytogenetic location: 15q15.1.
Variant type: single nucleotide variant.
Coding change: c.1874T>A on transcript NM_001211.6 (MANE Select); coding-DNA position 1874, T replaced by A.
Protein change: p.Ile625Lys; replaces isoleucine 625 with lysine.
Molecular consequence: missense variant.
Genome position (GRCh38, 1-based): chr15:40,206,323, T>A. VCF-style: chr15-40206323-T-A. GRCh37 (hg19) VCF-style: chr15-40498524-T-A.
Other names: short protein forms I625K.
Identifiers: ClinVar variation 1781751 (VCV001781751.3), dbSNP rs2037635948, ClinGen allele CA391692583.
Genomic context (GRCh38, chr15:40,206,323, plus strand): 5'-CAGAAGACACTTGTGACTTTGCCAGAGCAGCTCGTTTTGTATCCACTCCTTTTCATGAGA[T>A]AATGTCCTTGAAGGATCTCCCTTCTGATCCTGAGAGACTGTTACCGGAAGAAGATCTAGA-3'
Protein context (NP_001202.5, residues 615-635): ARFVSTPFHE[Ile625Lys]MSLKDLPSDP

ClinVar aggregate classification (germline): Uncertain significance (1 of 4 stars; one submission).

Conditions:
Inborn genetic diseases. Identifiers: MedGen C0950123, MeSH D030342.

Allele frequency attached by ClinVar (database versions not stated): gnomAD 0.00001.
gnomAD v4.1: 1 of 1,614,076 alleles (0.000062%); highest among the groups gnomAD compares: Non-Finnish European, 0.000085%; no homozygotes.

Submission:

Ambry Genetics
Classification: Uncertain significance for Inborn genetic diseases. Last evaluated: 2025-08-02. Review status: criteria provided, single submitter. Criteria: Ambry Variant Classification Scheme 2023. Collection method: clinical testing. Allele origin: germline.
Comment: The p.I625K variant (also known as c.1874T>A), located in coding exon 15 of the BUB1B gene, results from a T to A substitution at nucleotide position 1874. The isoleucine at codon 625 is replaced by lysine, an amino acid with dissimilar properties. This amino acid position is conserved. In addition, this alteration is predicted to be tolerated by in silico analysis. Since supporting evidence is limited at this time, the clinical significance of this alteration remains unclear.